The following is an entry in ClinVar:

ClinVar aggregate classification (germline): Likely benign. Review status: criteria provided, multiple submitters, no conflicts (2 of 4 stars). 4 submissions from 4 submitters: Likely benign (4). Last evaluated 2025-12-28.

Conditions:
Cardiovascular phenotype. Identifiers: MedGen CN230736.
Catecholaminergic polymorphic ventricular tachycardia (CVPT). Also called: Catecholamine-induced polymorphic ventricular tachycardia. Identifiers: Orphanet 3286, MedGen C5574922, MONDO:0017990.
Cardiomyopathy (CMYO). Also called: Cardiomyopathies. Identifiers: Orphanet 167848, MedGen C0878544, MONDO:0004994, HP:0001638. Inheritance: Various modes of inheritance.
Catecholaminergic polymorphic ventricular tachycardia 1. Also called: VENTRICULAR TACHYCARDIA, CATECHOLAMINERGIC POLYMORPHIC, 1, WITH OR WITHOUT ATRIAL DYSFUNCTION AND/OR DILATED CARDIOMYOPATHY; RYR2-Related Catecholaminergic Polymorphic Ventricular Tachycardia; VENTRICULAR TACHYCARDIA, STRESS-INDUCED POLYMORPHIC 1. Identifiers: Orphanet 3286, MedGen C1631597, MONDO:0011484, OMIM 604772.

Allele frequency attached by ClinVar (database versions not stated): gnomAD 0.00001; gnomAD exomes 0.00001 and 0.00002; TOPMed 0.00001; ExAC 0.00002.
gnomAD v4.1: 9 of 1,613,904 alleles (0.00056%); highest among the groups gnomAD compares: Non-Finnish European, 0.00076%; no homozygotes.

Submissions (4):

Labcorp Genetics (formerly Invitae), Labcorp
Classification: Likely benign for Catecholaminergic polymorphic ventricular tachycardia 1. Last evaluated: 2025-12-28. Review status: criteria provided, single submitter. Criteria: Invitae Variant Classification Sherloc (09022015). Collection method: clinical testing. Allele origin: germline.

All of Us Research Program, National Institutes of Health
Classification: Likely benign for Catecholaminergic polymorphic ventricular tachycardia. Last evaluated: 2023-12-18. Review status: criteria provided, single submitter. Criteria: ACMG Guidelines, 2015. Collection method: clinical testing. Allele origin: germline. Inheritance: Autosomal dominant inheritance. Observed: 5 variant alleles, 5 heterozygotes.
Comment: This study involves interpretation of variants in research participants for the purpose of population health screening. Participant phenotype was not available at the time of variant classification. Additional details can be found in publication PMID: 35346344, PMCID: PMC8962531

Ambry Genetics
Classification: Likely benign for Cardiovascular phenotype. Last evaluated: 2020-06-25. Review status: criteria provided, single submitter. Criteria: Ambry Variant Classification Scheme 2023. Collection method: clinical testing. Allele origin: germline.

Color Diagnostics, LLC DBA Color Health
Classification: Likely benign for Cardiomyopathy. Last evaluated: 2018-10-21. Review status: criteria provided, single submitter. Criteria: ACMG Guidelines, 2015. Collection method: clinical testing. Allele origin: germline.

NM_001035.3(RYR2):c.5268C>G (p.Ser1756=)

Gene: RYR2 (ryanodine receptor 2; plus strand). Cytogenetic location: 1q43.
Variant type: single nucleotide variant.
Coding change: c.5268C>G on transcript NM_001035.3 (MANE Select); coding-DNA position 5268, C replaced by G.
Protein change: p.Ser1756=; no amino-acid change (serine 1756 retained).
Molecular consequence: synonymous variant.
Genome position (GRCh38, 1-based): chr1:237,614,396, C>G. VCF-style: chr1-237614396-C-G. GRCh37 (hg19) VCF-style: chr1-237777696-C-G.
Other names: c.5268C>G (NM_001035.2).
Identifiers: ClinVar variation 918355 (VCV000918355.14), dbSNP rs768147036, ClinGen allele CA086861.